The following is an entry in ClinVar:

ClinVar aggregate classification (germline): Uncertain significance (1 of 4 stars; one submission).

Conditions:
Hypertrophic cardiomyopathy 25 (CMH25). Also called: CARDIOMYOPATHY, FAMILIAL HYPERTROPHIC, 25. Identifiers: MedGen C4225408, MONDO:0011843, OMIM 607487.
Primary familial hypertrophic cardiomyopathy (HCM). Identifiers: Orphanet 99739, MedGen C0949658, MeSH D024741, MONDO:0024573. Inheritance: Various modes of inheritance.

Submission:

Labcorp Genetics (formerly Invitae), Labcorp
Classification: Uncertain significance for Hypertrophic cardiomyopathy 25; Primary familial hypertrophic cardiomyopathy. Last evaluated: 2025-04-30. Review status: criteria provided, single submitter. Criteria: Invitae Variant Classification Sherloc (09022015). Collection method: clinical testing. Allele origin: germline.
Comment: This variant, c.253_276del, results in the deletion of 8 amino acid(s) of the TCAP protein (p.Tyr85_Pro92del), but otherwise preserves the integrity of the reading frame. This variant is not present in population databases (gnomAD no frequency). This variant has not been reported in the literature in individuals affected with TCAP-related conditions. Experimental studies and prediction algorithms are not available or were not evaluated, and the functional significance of this variant is currently unknown. In summary, the available evidence is currently insufficient to determine the role of this variant in disease. Therefore, it has been classified as a Variant of Uncertain Significance.

NM_003673.4(TCAP):c.253_276del (p.Tyr85_Pro92del)

Gene: TCAP (titin-cap; plus strand). Cytogenetic location: 17q12.
Variant type: Deletion.
Coding change: c.253_276del on transcript NM_003673.4 (MANE Select); coding-DNA positions 253 to 276, 24 bases deleted (TACCAGCGGGTACTGCCGCTGCCC).
Protein change: p.Tyr85_Pro92del.
Genome position (GRCh38, 1-based): chr17:39,665,858-39,665,881, TACCAGCGGGTACTGCCGCTGCCC deleted; deleting any 24 consecutive bases within chr17:39,665,851-39,665,881 gives the same sequence; the c. name uses the placement nearest the transcript's 3' end. VCF-style (leftmost placement, unchanged base first): chr17-39665850-AGCTGCCCTACCAGCGGGTACTGCC-A. GRCh37 (hg19) VCF-style: chr17-37822103-AGCTGCCCTACCAGCGGGTACTGCC-A.
Identifiers: ClinVar variation 4790296 (VCV004790296.1).